The following is an entry in ClinVar:

NM_001330078.2(NRXN1):c.3547-29C>G

Gene: NRXN1 (neurexin 1; minus strand). Cytogenetic location: 2p16.3.
Variant type: single nucleotide variant.
Coding change: c.3547-29C>G on transcript NM_001330078.2 (MANE Select); 29 bases into the intron before coding-DNA position 3547, C replaced by G.
Molecular consequence: intron variant.
Genome position (GRCh38, 1-based): chr2:50,091,523, G>C on the plus strand (C>G on the coding strand, the complement: NRXN1 is on the minus strand). VCF-style: chr2-50091523-G-C. GRCh37 (hg19) VCF-style: chr2-50318661-G-C.
Other names: c.3436-29C>G (NM_001330096.2, NM_001330087.2); c.3481-29C>G (NM_001330083.2, NM_001330084.2); c.3466-29C>G (NM_001330088.2); c.3544-29C>G (NM_001330093.2); c.3535-29C>G (NM_001330094.2); c.3496-29C>G (NM_001330095.2); c.3523-29C>G (NM_001330082.2, NM_001330077.2); c.3520-29C>G (NM_001330085.2); and 3 more.
Identifiers: ClinVar variation 670909 (VCV000670909.2), dbSNP rs74387895, ClinGen allele CA1654433.

ClinVar aggregate classification (germline): Benign. Review status: criteria provided, multiple submitters, no conflicts (2 of 4 stars). 2 submissions from 2 submitters: Benign (2). Last evaluated 2018-06-14.

Allele frequency attached by ClinVar (database versions not stated): ESP Exome Variant Server 0.00085; gnomAD exomes 0.00457 and 0.01674; gnomAD 0.00507 and 0.00606; TOPMed 0.01108; ExAC 0.01420; 1000 Genomes Project 0.01637; 1000 Genomes Project 30x 0.01640.
gnomAD v4.1: 7,624 of 1,609,328 alleles (0.47%); highest among the groups gnomAD compares: East Asian, 6.6%; 264 homozygotes.

Submissions (2):

GeneDx
Classification: Benign. Last evaluated: 2018-06-14. Review status: criteria provided, single submitter. Criteria: GeneDx Variant Classification (06012015). Collection method: clinical testing. Allele origin: germline. Affected: yes.
Comment: This variant is considered likely benign or benign based on one or more of the following criteria: it is a conservative change, it occurs at a poorly conserved position in the protein, it is predicted to be benign by multiple in silico algorithms, and/or has population frequency not consistent with disease.

Breakthrough Genomics
Classification: Benign. Review status: criteria provided, single submitter. Criteria: ACMG Guidelines, 2015. Collection method: not provided. Allele origin: germline. Inheritance: Autosomal recessive inheritance. Affected: yes.